The following is an entry in ClinVar:

ClinVar aggregate classification (germline): Benign/Likely benign. Review status: criteria provided, multiple submitters, no conflicts (2 of 4 stars). 2 submissions from 2 submitters: Benign (1); Likely benign (1). Last evaluated 2026-02-01.

gnomAD v4.1: 5,714 of 1,610,862 alleles (0.35%); highest among the groups gnomAD compares: Non-Finnish European, 0.45%; 23 homozygotes.

Submissions (2):

CeGaT Center for Human Genetics Tuebingen
Classification: Benign. Last evaluated: 2026-02-01. Review status: criteria provided, single submitter. Criteria: CeGaT Center For Human Genetics Tuebingen Variant Classification Criteria Version 2. Collection method: clinical testing. Allele origin: germline. Affected: yes. Observed: 1 variant allele.
Comment: GIGYF1: BP4, BS1, BS2

Blueprint Genetics
Classification: Likely benign. Last evaluated: 2024-11-25. Review status: criteria provided, single submitter. Criteria: ACMG Guidelines, 2015. Collection method: clinical testing. Allele origin: germline.

NM_001375765.1(GIGYF1):c.2761+7G>A

Gene: GIGYF1 (GRB10 interacting GYF protein 1; minus strand). Cytogenetic location: 7q22.1.
Variant type: single nucleotide variant.
Coding change: c.2761+7G>A on transcript NM_001375765.1 (MANE Select); 7 bases into the intron after coding-DNA position 2761, G replaced by A.
Molecular consequence: intron variant.
Genome position (GRCh38, 1-based): chr7:100,682,315, C>T on the plus strand (G>A on the coding strand, the complement: GIGYF1 is on the minus strand). VCF-style: chr7-100682315-C-T. GRCh37 (hg19) VCF-style: chr7-100279938-C-T.
Other names: c.2761+7G>A (NM_001375760.1, NM_001375764.1, NM_001375766.1 and 5 more transcripts); c.2758+7G>A (NM_001375768.1).
Identifiers: ClinVar variation 4820834 (VCV004820834.5).